The following is an entry in ClinVar:

ClinVar aggregate classification (germline): Uncertain significance (1 of 4 stars; one submission).

Conditions:
Neurodevelopmental disorder with severe motor impairment and absent language. Also called: NEURODEVELOPMENTAL DISORDER WITH VARIABLE MOTOR AND LANGUAGE IMPAIRMENT. Identifiers: Orphanet 647788, MedGen C4540496, MONDO:0060622, OMIM 617804.

Submission:

Neuberg Centre For Genomic Medicine, NCGM
Classification: Uncertain significance for Neurodevelopmental disorder with severe motor impairment and absent language. Review status: criteria provided, single submitter. Criteria: ACMG Guidelines, 2015. Collection method: clinical testing. Allele origin: germline. Inheritance: Autosomal recessive inheritance. Affected: yes.
Comment: The missense variant c.1669A>C (p.Ile557Leu) in the DHX30 gene has not been reported previously as a pathogenic variant nor as a benign variant, to our knowledge. This variant is absent in the gnomAD Exomes. The amino acid Ile at position 557 is changed to a Leu changing protein sequence and it might alter its composition and physico-chemical properties. Computational evidence (Polyphen, SIFT and MutationTaster) predicts conflicting evidence on protein structure and function for this variant. The amino acid change p.Ile557Leu in DHX30 is predicted as conserved by GERP++ and PhyloP across 100 vertebrates. For these reasons, this variant has been classified as Uncertain Significance.

NM_138615.3(DHX30):c.1669A>C (p.Ile557Leu)

Gene: DHX30 (DExH-box helicase 30; plus strand). Cytogenetic location: 3p21.31.
Variant type: single nucleotide variant.
Coding change: c.1669A>C on transcript NM_138615.3 (MANE Select); coding-DNA position 1669, A replaced by C.
Protein change: p.Ile557Leu; replaces isoleucine 557 with leucine.
Molecular consequence: missense variant.
Genome position (GRCh38, 1-based): chr3:47,846,741, A>C. VCF-style: chr3-47846741-A-C. GRCh37 (hg19) VCF-style: chr3-47888231-A-C.
Other names: c.1585A>C, p.Ile529Leu (NM_001330990.2); c.1552A>C, p.Ile518Leu (NM_014966.4); short protein forms I518L, I529L, I557L.
Identifiers: ClinVar variation 3377739 (VCV003377739.1).